The following is an entry in ClinVar:

NM_013275.6(ANKRD11):c.7568G>A (p.Arg2523Gln)

Gene: ANKRD11 (ankyrin repeat domain 11; minus strand). Cytogenetic location: 16q24.3.
Variant type: single nucleotide variant.
Coding change: c.7568G>A on transcript NM_013275.6 (MANE Select); coding-DNA position 7568, G replaced by A.
Protein change: p.Arg2523Gln; replaces arginine 2523 with glutamine.
Molecular consequence: missense variant.
Genome position (GRCh38, 1-based): chr16:89,275,094, C>T on the plus strand (G>A on the coding strand, the complement: ANKRD11 is on the minus strand). VCF-style: chr16-89275094-C-T. GRCh37 (hg19) VCF-style: chr16-89341502-C-T.
Other names: c.7568G>A, p.Arg2523Gln (NM_001256182.2, NM_001256183.2); short protein forms R2523Q.
Identifiers: ClinVar variation 5020778 (VCV005020778.1).

ClinVar aggregate classification (germline): Uncertain significance (1 of 4 stars; one submission).

Submission:

Dasa
Classification: Uncertain significance. Last evaluated: 2025-12-03. Review status: criteria provided, single submitter. Criteria: DASA Assertion Criteria. Collection method: clinical testing. Allele origin: germline.
Comment: NM_013275.6(ANKRD11):c.7568G>A (p.Arg2523Gln) is a missense variant that results in the substitution of arginine with glutamine. The affected residue or protein region has prior evidence supporting clinical relevance. This variant is absent from population databases. The currently available literature and clinical evidence are not sufficient to establish a definitive association between this variant and the reported condition. Therefore, this variant is classified as a variant of uncertain significance.